The following is an entry in ClinVar:

NM_001267550.2(TTN):c.68169_68171dup (p.Tyr22724Ter)

Genes: TTN (titin; minus strand), TTN-AS1 (TTN antisense RNA 1; plus strand), LOC126806423 (CDK7 strongly-dependent group 2 enhancer GRCh37_chr2:179443309-179444508; plus strand). Cytogenetic location: 2q31.2.
Variant type: Duplication.
Coding change: c.68169_68171dup on transcript NM_001267550.2 (MANE Select); coding-DNA positions 68169 to 68171, 3 bases duplicated (ATA; older notation c.68169_68171dupATA).
Protein change: p.Tyr22724Ter; replaces tyrosine 22724 with a stop codon.
Molecular consequence: nonsense.
Genome position (GRCh38, 1-based): chr2:178,578,859-178,578,861, TAT duplicated on the plus strand (ATA on the coding strand, the reverse complement: TTN is on the minus strand); duplicating any 3 consecutive bases within chr2:178,578,859-178,578,862 gives the same sequence; the c. name uses the placement nearest the transcript's 3' end. VCF-style (leftmost placement, unchanged base first): chr2-178578858-A-ATAT. GRCh37 (hg19) VCF-style: chr2-179443585-A-ATAT.
Other names: c.63246_63248dup, p.Tyr21083Ter (NM_001256850.1); c.40974_40976dup, p.Tyr13659Ter (NM_003319.4); c.60465_60467dup, p.Tyr20156Ter (NM_133378.4); c.41349_41351dup, p.Tyr13784Ter (NM_133432.3); c.41550_41552dup, p.Tyr13851Ter (NM_133437.4); short protein forms Y13659*, Y13784*, Y13851*, Y20156*, Y21083*, Y22724*.
Identifiers: ClinVar variation 1879067 (VCV001879067.2), dbSNP rs2468858080, ClinGen allele CA2580064627.

ClinVar aggregate classification (germline): Likely pathogenic (1 of 4 stars; one submission).

Conditions:
Dilated cardiomyopathy 1G (CMD1G). Identifiers: Orphanet 154, MedGen C1858763, MONDO:0011400, OMIM 604145.

Submission:

Institute of Human Genetics, University of Goettingen
Classification: Likely pathogenic for Dilated cardiomyopathy 1G. Last evaluated: 2023-01-18. Review status: criteria provided, single submitter. Criteria: ACMG Guidelines, 2015. Collection method: clinical testing. Allele origin: maternal. Inheritance: Autosomal dominant inheritance. Affected: yes. Observed: 1 heterozygote.
Comment: The variant c.60465_60467dup (p.(Tyr20156*)) in exon 269 of the TTN gene is not found in the gnomAD database and changes the protein sequence starting at position 20156 and interrupts the reading frame prematurely. ACMG criteria used for classification: PVS1, PM2, PP1_supp.